The following is an entry in ClinVar:

NM_000540.3(RYR1):c.9472+20G>A

Gene: RYR1 (ryanodine receptor 1; plus strand). Cytogenetic location: 19q13.2.
Variant type: single nucleotide variant.
Coding change: c.9472+20G>A on transcript NM_000540.3 (MANE Select); 20 bases into the intron after coding-DNA position 9472, G replaced by A.
Molecular consequence: intron variant.
Genome position (GRCh38, 1-based): chr19:38,512,503, G>A. VCF-style: chr19-38512503-G-A. GRCh37 (hg19) VCF-style: chr19-39003143-G-A.
Other names: c.9472+20G>A (NM_001042723.2).
Identifiers: ClinVar variation 2167196 (VCV002167196.1), dbSNP rs762696050, ClinGen allele CA073623.
Genomic context (GRCh38, chr19:38,512,503, plus strand): 5'-CCAGCACATCGCCCAGCACCAGTTCGGAGATGACGTCATCCGTAAGGGCGCCTGACCCAA[G>A]GGCAGGTTGCGGGGAGTCAGTGTGGCCAACACCACCCATCCGGGTGCCTGTGAGAGTCCC-3'

ClinVar aggregate classification (germline): Uncertain significance (1 of 4 stars; one submission).

Conditions:
RYR1-related disorder. Also called: RYR1-related condition; RYR1-related disorders. Identifiers: MedGen CN239331.

Allele frequency attached by ClinVar (database versions not stated): gnomAD exomes below 0.00001; ExAC 0.00001.
gnomAD v4.1: 2 of 1,605,696 alleles (0.00012%); highest among the groups gnomAD compares: Non-Finnish European, 0.00017%; no homozygotes.

Submission:

Labcorp Genetics (formerly Invitae), Labcorp
Classification: Uncertain significance for RYR1-related disorder. Last evaluated: 2022-09-21. Review status: criteria provided, single submitter. Criteria: Invitae Variant Classification Sherloc (09022015). Collection method: clinical testing. Allele origin: germline.
Comment: This sequence change falls in intron 63 of the RYR1 gene. It does not directly change the encoded amino acid sequence of the RYR1 protein. The frequency data for this variant in the population databases is considered unreliable, as metrics indicate poor data quality at this position in the gnomAD database. This variant has not been reported in the literature in individuals affected with RYR1-related conditions. Algorithms developed to predict the effect of sequence changes on RNA splicing suggest that this variant may create or strengthen a splice site. In summary, the available evidence is currently insufficient to determine the role of this variant in disease. Therefore, it has been classified as a Variant of Uncertain Significance.